The following is an entry in ClinVar:

NM_016169.4(SUFU):c.52C>G (p.Pro18Ala)

Genes: SUFU (SUFU negative regulator of hedgehog signaling; plus strand), LOC130004614 (ATAC-STARR-seq lymphoblastoid silent region 2764; plus strand). Cytogenetic location: 10q24.32.
Variant type: single nucleotide variant.
Coding change: c.52C>G on transcript NM_016169.4 (MANE Select); coding-DNA position 52, C replaced by G.
Protein change: p.Pro18Ala; replaces proline 18 with alanine.
Molecular consequence: missense variant.
Genome position (GRCh38, 1-based): chr10:102,504,204, C>G. VCF-style: chr10-102504204-C-G. GRCh37 (hg19) VCF-style: chr10-104263961-C-G.
Other names: c.52C>G, p.Pro18Ala (NM_001178133.2); short protein forms P18A.
Identifiers: ClinVar variation 2452616 (VCV002452616.2), dbSNP rs1589969896, ClinGen allele CA377886267.

ClinVar aggregate classification (germline): Uncertain significance (1 of 4 stars; one submission).

Conditions:
Hereditary cancer-predisposing syndrome. Also called: Neoplastic Syndromes, Hereditary; Tumor predisposition; Hereditary neoplastic syndrome; Hereditary Cancer Syndrome. Identifiers: Orphanet 140162, MedGen C0027672, MeSH D009386, MONDO:0015356.

Submission:

Ambry Genetics
Classification: Uncertain significance for Hereditary cancer-predisposing syndrome. Last evaluated: 2023-02-15. Review status: criteria provided, single submitter. Criteria: Ambry Variant Classification Scheme 2023. Collection method: clinical testing. Allele origin: germline.
Comment: The p.P18A variant (also known as c.52C>G), located in coding exon 1 of the SUFU gene, results from a C to G substitution at nucleotide position 52. The proline at codon 18 is replaced by alanine, an amino acid with highly similar properties. This amino acid position is conserved. In addition, this alteration is predicted to be tolerated by in silico analysis. Since supporting evidence is limited at this time, the clinical significance of this alteration remains unclear.